The following is an entry in ClinVar:

ClinVar aggregate classification (germline): Uncertain significance. Review status: criteria provided, multiple submitters, no conflicts (2 of 4 stars). 3 submissions from 3 submitters: Uncertain significance (3). Last evaluated 2024-03-06.

Conditions:
Hereditary cancer-predisposing syndrome. Also called: Neoplastic Syndromes, Hereditary; Tumor predisposition; Hereditary Cancer Syndrome; Hereditary neoplastic syndrome. Identifiers: Orphanet 140162, MedGen C0027672, MeSH D009386, MONDO:0015356.
Hereditary nonpolyposis colorectal neoplasms. Identifiers: MedGen C0009405, MeSH D003123.

Allele frequency attached by ClinVar (database versions not stated): gnomAD exomes below 0.00001.
gnomAD v4.1: 1 of 1,613,986 alleles (0.000062%); highest among the groups gnomAD compares: Non-Finnish European, 0.000085%; no homozygotes.

Submissions (3):

Color Diagnostics, LLC DBA Color Health
Classification: Uncertain significance for Hereditary cancer-predisposing syndrome. Last evaluated: 2024-03-06. Review status: criteria provided, single submitter. Criteria: ACMG Guidelines, 2015. Collection method: clinical testing. Allele origin: germline.
Comment: This missense variant replaces isoleucine with asparagine at codon 805 of the MSH6 protein. Computational prediction suggests that this variant may not impact protein structure and function (internally defined REVEL score threshold <= 0.5, PMID: 27666373). To our knowledge, functional studies have not been reported for this variant. This variant has not been reported in individuals affected with hereditary cancer in the literature. This variant has not been identified in the general population by the Genome Aggregation Database (gnomAD). The available evidence is insufficient to determine the role of this variant in disease conclusively. Therefore, this variant is classified as a Variant of Uncertain Significance.

Labcorp Genetics (formerly Invitae), Labcorp
Classification: Uncertain significance for Hereditary nonpolyposis colorectal neoplasms. Last evaluated: 2023-01-07. Review status: criteria provided, single submitter. Criteria: Invitae Variant Classification Sherloc (09022015). Collection method: clinical testing. Allele origin: germline.
Comment: In summary, the available evidence is currently insufficient to determine the role of this variant in disease. Therefore, it has been classified as a Variant of Uncertain Significance. Advanced modeling of protein sequence and biophysical properties (such as structural, functional, and spatial information, amino acid conservation, physicochemical variation, residue mobility, and thermodynamic stability) performed at Invitae indicates that this missense variant is not expected to disrupt MSH6 protein function. ClinVar contains an entry for this variant (Variation ID: 821143). This variant has not been reported in the literature in individuals affected with MSH6-related conditions. This variant is not present in population databases (gnomAD no frequency). This sequence change replaces isoleucine, which is neutral and non-polar, with asparagine, which is neutral and polar, at codon 805 of the MSH6 protein (p.Ile805Asn).

Ambry Genetics
Classification: Uncertain significance for Hereditary cancer-predisposing syndrome. Last evaluated: 2018-12-28. Review status: criteria provided, single submitter. Criteria: Ambry Variant Classification Scheme 2023. Collection method: clinical testing. Allele origin: germline.
Comment: The p.I805N variant (also known as c.2414T>A), located in coding exon 4 of the MSH6 gene, results from a T to A substitution at nucleotide position 2414. The isoleucine at codon 805 is replaced by asparagine, an amino acid with dissimilar properties. This amino acid position is not well conserved in available vertebrate species. In addition, the in silico prediction for this alteration is inconclusive. In addition, the CoDP in silico tool predicts this alteration to have minor impact on molecular function, with a score of 0.041 (Terui H et al. J. Biomed. Sci. 2013 Apr;20:25). Since supporting evidence is limited at this time, the clinical significance of this alteration remains unclear.

NM_000179.3(MSH6):c.2414T>A (p.Ile805Asn)

Gene: MSH6 (mutS homolog 6; plus strand). Cytogenetic location: 2p16.3.
Variant type: single nucleotide variant.
Coding change: c.2414T>A on transcript NM_000179.3 (MANE Select); coding-DNA position 2414, T replaced by A.
Protein change: p.Ile805Asn; replaces isoleucine 805 with asparagine.
Molecular consequence: missense variant.
Genome position (GRCh38, 1-based): chr2:47,800,397, T>A. VCF-style: chr2-47800397-T-A. GRCh37 (hg19) VCF-style: chr2-48027536-T-A.
Other names: c.2024T>A, p.Ile675Asn (NM_001281492.2); c.1508T>A, p.Ile503Asn (NM_001281493.2, NM_001281494.2); short protein forms I805N, I503N, I675N.
Identifiers: ClinVar variation 821143 (VCV000821143.16), dbSNP rs1572727090, ClinGen allele CA346753993.